The following is an entry in ClinVar:

NM_002734.5(PRKAR1A):c.244A>G (p.Ile82Val)

Gene: PRKAR1A (protein kinase cAMP-dependent type I regulatory subunit alpha; plus strand). Cytogenetic location: 17q24.2.
Variant type: single nucleotide variant.
Coding change: c.244A>G on transcript NM_002734.5 (MANE Select); coding-DNA position 244, A replaced by G.
Protein change: p.Ile82Val; replaces isoleucine 82 with valine.
Molecular consequence: missense variant.
Genome position (GRCh38, 1-based): chr17:68,522,822, A>G. VCF-style: chr17-68522822-A-G. GRCh37 (hg19) VCF-style: chr17-66518963-A-G.
Other names: c.244A>G, p.Ile82Val (NM_001276289.2, NM_001276290.1, NM_001278433.2 and 4 more transcripts); short protein forms I82V.
Identifiers: ClinVar variation 3425063 (VCV003425063.1).
Genomic context (GRCh38, chr17:68,522,822, plus strand): 5'-GCAAAACAGATTCAGAATCTGCAGAAAGCAGGCACTCGTACAGACTCAAGGGAGGATGAG[A>G]TTTCTCCTCCTCCACCCAACCCAGTGGTTAAAGGTAGGAGGCGACGAGGTGCTATCAGCG-3'
Protein context (NP_002725.1, residues 72-92): GTRTDSREDE[Ile82Val]SPPPPNPVVK

ClinVar aggregate classification (germline): Uncertain significance (1 of 4 stars; one submission).

Conditions:
Hereditary cancer-predisposing syndrome. Also called: Neoplastic Syndromes, Hereditary; Tumor predisposition; Hereditary Cancer Syndrome; Hereditary neoplastic syndrome. Identifiers: Orphanet 140162, MedGen C0027672, MeSH D009386, MONDO:0015356.

Submission:

Ambry Genetics
Classification: Uncertain significance for Hereditary cancer-predisposing syndrome. Last evaluated: 2024-09-01. Review status: criteria provided, single submitter. Criteria: Ambry Variant Classification Scheme 2023. Collection method: clinical testing. Allele origin: germline.
Comment: The p.I82V variant (also known as c.244A>G), located in coding exon 2 of the PRKAR1A gene, results from an A to G substitution at nucleotide position 244. The isoleucine at codon 82 is replaced by valine, an amino acid with highly similar properties. This amino acid position is conserved. In addition, this alteration is predicted to be tolerated by in silico analysis. Based on the available evidence, the clinical significance of this variant remains unclear.